The following is an entry in ClinVar:

ClinVar aggregate classification (germline): Uncertain significance (1 of 4 stars; one submission).

Conditions:
Ataxia-telangiectasia syndrome (AT). Also called: Ataxia-telangiectasia, complementation group D; AT, COMPLEMENTATION GROUP C; ATAXIA-TELANGIECTASIA, COMPLEMENTATION GROUP A; ATAXIA-TELANGIECTASIA, FRESNO VARIANT; Ataxia telangiectasia (A-T); Ataxia-telangiectasia. Identifiers: Orphanet 100, MedGen C0004135, MONDO:0008840, OMIM 208900.

Submission:

Labcorp Genetics (formerly Invitae), Labcorp
Classification: Uncertain significance for Ataxia-telangiectasia syndrome. Last evaluated: 2022-02-04. Review status: criteria provided, single submitter. Criteria: Invitae Variant Classification Sherloc (09022015). Collection method: clinical testing. Allele origin: germline.
Comment: This sequence change replaces glutamic acid, which is acidic and polar, with glycine, which is neutral and non-polar, at codon 119 of the ATM protein (p.Glu119Gly). This variant is not present in population databases (gnomAD no frequency). This variant has not been reported in the literature in individuals affected with ATM-related conditions. Advanced modeling of protein sequence and biophysical properties (such as structural, functional, and spatial information, amino acid conservation, physicochemical variation, residue mobility, and thermodynamic stability) performed at Invitae indicates that this missense variant is not expected to disrupt ATM protein function. In summary, the available evidence is currently insufficient to determine the role of this variant in disease. Therefore, it has been classified as a Variant of Uncertain Significance.

NM_000051.4(ATM):c.356A>G (p.Glu119Gly)

Gene: ATM (ATM serine/threonine kinase; plus strand). Cytogenetic location: 11q22.3.
Variant type: single nucleotide variant.
Coding change: c.356A>G on transcript NM_000051.4 (MANE Select); coding-DNA position 356, A replaced by G.
Protein change: p.Glu119Gly; replaces glutamic acid 119 with glycine.
Molecular consequence: missense variant.
Genome position (GRCh38, 1-based): chr11:108,235,694, A>G. VCF-style: chr11-108235694-A-G. GRCh37 (hg19) VCF-style: chr11-108106421-A-G.
Other names: c.356A>G, p.Glu119Gly (NM_001351834.2); short protein forms E119G.
Identifiers: ClinVar variation 2093027 (VCV002093027.4), dbSNP rs2497016789, ClinGen allele CA382524635.